The following is an entry in ClinVar:

NM_032040.5(CCDC8):c.3G>A (p.Met1Ile)

Gene: CCDC8 (coiled-coil domain containing 8 subunit of 3M complex; minus strand). Cytogenetic location: 19q13.32.
Variant type: single nucleotide variant.
Coding change: c.3G>A on transcript NM_032040.5 (MANE Select); coding-DNA position 3, G replaced by A.
Protein change: p.Met1Ile; changes the start codon (methionine 1).
Molecular consequence: missense variant, initiator codon variant.
Genome position (GRCh38, 1-based): chr19:46,412,808, C>T on the plus strand (G>A on the coding strand, the complement: CCDC8 is on the minus strand). VCF-style: chr19-46412808-C-T. GRCh37 (hg19) VCF-style: chr19-46916065-C-T.
Other names: c.3G>A (NM_032040.4); short protein forms M1I.
Identifiers: ClinVar variation 2503835 (VCV002503835.5), dbSNP rs753932493, ClinGen allele CA9528802.

ClinVar aggregate classification (germline): Conflicting classifications of pathogenicity. Review status: criteria provided, conflicting classifications (1 of 4 stars). 2 submissions from 2 submitters: Likely pathogenic (1); Uncertain significance (1). Last evaluated 2026-05-11.

Conditions:
CCDC8-related disorder. Also called: CCDC8-related condition.

Allele frequency attached by ClinVar (database versions not stated): ExAC 0.00001; gnomAD exomes 0.00001; gnomAD 0.00002; TOPMed 0.00002.

Submissions (2):

Women's Health and Genetics/Laboratory Corporation of America, LabCorp
Classification: Uncertain significance. Last evaluated: 2026-05-11. Review status: criteria provided, single submitter. Criteria: LabCorp Variant Classification Summary - May 2015. Collection method: clinical testing. Allele origin: germline.
Comment: Variant summary: CCDC8 c.3G>A (p.Met1Ile) alters the initiation codon and is predicted to result either in the absence of the protein or the truncation of the encoded protein due to translation initiation at a downstream codon. The first potential downstream in-frame start codon (ATG) is located at Met59. The variant allele was found at a frequency of 8e-06 in 249846 control chromosomes. The available data on variant occurrences in the general population are insufficient to allow any conclusion about variant significance. To our knowledge, no occurrence of c.3G>A in individuals affected with CCDC8-related conditions and no experimental evidence demonstrating its impact on protein function have been reported. ClinVar contains an entry for this variant (Variation ID: 2503835). Based on the evidence outlined above, the variant was classified as uncertain significance.

Blueprint Genetics
Classification: Likely pathogenic for CCDC8-related disorders. Last evaluated: 2024-04-17. Review status: criteria provided, single submitter. Criteria: ACMG Guidelines, 2015. Collection method: clinical testing. Allele origin: germline. Affected: yes. Observed: 5 variant alleles.